The following is an entry in ClinVar:

ClinVar aggregate classification (germline): Uncertain significance. Review status: criteria provided, multiple submitters, no conflicts (2 of 4 stars). 3 submissions from 3 submitters: Uncertain significance (3). Last evaluated 2024-12-25.

Conditions:
Inborn genetic diseases. Identifiers: MedGen C0950123, MeSH D030342.
MEGF10-related myopathy (CMYO10A). Also called: Congenital myopathy 10A, severe variant. Identifiers: Orphanet 439212, MedGen C3280679, MONDO:0013731, OMIM 614399.

Allele frequency attached by ClinVar (database versions not stated): ExAC 0.00001; gnomAD exomes 0.00001; TOPMed 0.00002.
gnomAD v4.1: 9 of 1,609,698 alleles (0.00056%); highest among the groups gnomAD compares: South Asian, 0.0022%; no homozygotes.

Submissions (3):

Ambry Genetics
Classification: Uncertain significance for Inborn genetic diseases. Last evaluated: 2024-12-25. Review status: criteria provided, single submitter. Criteria: Ambry Variant Classification Scheme 2023. Collection method: clinical testing. Allele origin: germline.

Revvity Omics, Revvity
Classification: Uncertain significance. Last evaluated: 2023-05-18. Review status: criteria provided, single submitter. Criteria: ACMG Guidelines, 2015. Collection method: clinical testing. Allele origin: germline.

Labcorp Genetics (formerly Invitae), Labcorp
Classification: Uncertain significance for MEGF10-related myopathy. Last evaluated: 2023-02-26. Review status: criteria provided, single submitter. Criteria: Invitae Variant Classification Sherloc (09022015). Collection method: clinical testing. Allele origin: germline.
Comment: This sequence change replaces threonine, which is neutral and polar, with methionine, which is neutral and non-polar, at codon 70 of the MEGF10 protein (p.Thr70Met). This variant is present in population databases (rs766379097, gnomAD 0.007%). This variant has not been reported in the literature in individuals affected with MEGF10-related conditions. ClinVar contains an entry for this variant (Variation ID: 855665). An algorithm developed to predict the effect of missense changes on protein structure and function (PolyPhen-2) suggests that this variant is likely to be disruptive. In summary, the available evidence is currently insufficient to determine the role of this variant in disease. Therefore, it has been classified as a Variant of Uncertain Significance.

NM_001256545.2(MEGF10):c.209C>T (p.Thr70Met)

Gene: MEGF10 (multiple EGF like domains 10; plus strand). Cytogenetic location: 5q23.2.
Variant type: single nucleotide variant.
Coding change: c.209C>T on transcript NM_001256545.2 (MANE Select); coding-DNA position 209, C replaced by T.
Protein change: p.Thr70Met; replaces threonine 70 with methionine.
Molecular consequence: missense variant.
Genome position (GRCh38, 1-based): chr5:127,339,212, C>T. VCF-style: chr5-127339212-C-T. GRCh37 (hg19) VCF-style: chr5-126674904-C-T.
Other names: c.209C>T, p.Thr70Met (NM_001308119.2, NM_001308121.2, NM_032446.3); short protein forms T70M.
Identifiers: ClinVar variation 855665 (VCV000855665.11), dbSNP rs766379097, ClinGen allele CA3391192.